The following is an entry in ClinVar:

NM_001145809.2(MYH14):c.4753-5A>G

Gene: MYH14 (myosin heavy chain 14; plus strand). Cytogenetic location: 19q13.33.
Variant type: single nucleotide variant.
Coding change: c.4753-5A>G on transcript NM_001145809.2 (MANE Select); 5 bases into the intron before coding-DNA position 4753, A replaced by G.
Molecular consequence: intron variant.
Genome position (GRCh38, 1-based): chr19:50,289,431, A>G. VCF-style: chr19-50289431-A-G. GRCh37 (hg19) VCF-style: chr19-50792688-A-G.
Other names: p.?; c.4654-5A>G (NM_001077186.2); c.4630-5A>G (NM_024729.4).
Identifiers: ClinVar variation 226745 (VCV000226745.34), dbSNP rs118097099, ClinGen allele CA9593607.
Genomic context (GRCh38, chr19:50,289,431, plus strand): 5'-TAGCTAGGCTCCTAACCTCCTCTGCCTCAGTGACCCAGGTACCCAGCAGCTACTCTCCCC[A>G]CCAGGTGCATGAGCTGGAACGAGCCTGCCGGGTAGCAGAACAGGCAGCCAATGATCTGCG-3'

ClinVar aggregate classification (germline): Benign/Likely benign. Review status: criteria provided, multiple submitters, no conflicts (2 of 4 stars). 7 submissions from 7 submitters: Benign (4); Likely benign (3). Last evaluated 2025-09-10.

Conditions:
Autosomal dominant nonsyndromic hearing loss 4A. Also called: Deafness, autosomal dominant 4A. Identifiers: Orphanet 90635, MedGen C1833503, MONDO:0010915, OMIM 600652.

Allele frequency attached by ClinVar (database versions not stated): ESP Exome Variant Server 0.00008; gnomAD exomes 0.00032 and 0.00112; gnomAD 0.00036 and 0.00056; TOPMed 0.00070; ExAC 0.00168; 1000 Genomes Project 30x 0.00265; 1000 Genomes Project 0.00319.
gnomAD v4.1: 558 of 1,603,270 alleles (0.035%); highest among the groups gnomAD compares: East Asian, 1.1%; 2 homozygotes.

Submissions (7):

Labcorp Genetics (formerly Invitae), Labcorp
Classification: Benign. Last evaluated: 2025-09-10. Review status: criteria provided, single submitter. Criteria: Invitae Variant Classification Sherloc (09022015). Collection method: clinical testing. Allele origin: germline.

Mayo Clinic Laboratories, Mayo Clinic
Classification: Benign. Last evaluated: 2025-04-10. Review status: criteria provided, single submitter. Criteria: ACMG Guidelines, 2015. Collection method: clinical testing. Allele origin: germline. Observed: 1 variant allele.
Comment: BA1, BP4, BP7

CeGaT Center for Human Genetics Tuebingen
Classification: Likely benign. Last evaluated: 2024-12-01. Review status: criteria provided, single submitter. Criteria: CeGaT Center For Human Genetics Tuebingen Variant Classification Criteria Version 2. Collection method: clinical testing. Allele origin: germline. Affected: yes. Observed: 1 variant allele.
Comment: MYH14: BP4, BS1

Blueprint Genetics
Classification: Likely benign. Last evaluated: 2024-11-19. Review status: criteria provided, single submitter. Criteria: ACMG Guidelines, 2015. Collection method: clinical testing. Allele origin: germline.

GeneDx
Classification: Likely benign. Last evaluated: 2020-02-12. Review status: criteria provided, single submitter. Criteria: GeneDx Variant Classification Process June 2021. Collection method: clinical testing. Allele origin: germline. Affected: yes.
Comment: This variant is associated with the following publications: (PMID: 28191911)

Illumina Laboratory Services, Illumina
Classification: Benign for Autosomal dominant nonsyndromic hearing loss 4A. Last evaluated: 2018-01-13. Review status: criteria provided, single submitter. Criteria: ICSL Variant Classification Criteria 13 December 2019. Collection method: clinical testing. Allele origin: germline.
Comment: This variant was observed in the ICSL laboratory as part of a predisposition screen in an ostensibly healthy population. It had not been previously curated by ICSL or reported in the Human Gene Mutation Database (HGMD: prior to June 1st, 2018), and was therefore a candidate for classification through an automated scoring system. Utilizing variant allele frequency, disease prevalence and penetrance estimates, and inheritance mode, an automated score was calculated to assess if this variant is too frequent to cause the disease. Based on the score and internal cut-off values, a variant classified as benign is not then subjected to further curation. The score for this variant resulted in a classification of benign for this disease.

Laboratory for Molecular Medicine, Mass General Brigham Personalized Medicine
Classification: Benign. Last evaluated: 2016-02-18. Review status: criteria provided, single submitter. Criteria: LMM Criteria. Collection method: clinical testing. Allele origin: germline. Observed: 4 variant alleles.
Comment: c.4753-5A>G in intron 34 of MYH14: This variant is not expected to have clinical significance because it has been identified in 2.5% (97/3862) of East Asian chr omosomes by the Exome Aggregation Consortium (ExAC, rg; dbSNP rs118097099).